The following is an entry in ClinVar:

NM_000395.3(CSF2RB):c.100C>A (p.Arg34Ser)

Gene: CSF2RB (colony stimulating factor 2 receptor subunit beta; plus strand). Cytogenetic location: 22q12.3.
Variant type: single nucleotide variant.
Coding change: c.100C>A on transcript NM_000395.3 (MANE Select); coding-DNA position 100, C replaced by A.
Protein change: p.Arg34Ser; replaces arginine 34 with serine.
Molecular consequence: missense variant.
Genome position (GRCh38, 1-based): chr22:36,923,267, C>A. VCF-style: chr22-36923267-C-A. GRCh37 (hg19) VCF-style: chr22-37319309-C-A.
Other names: c.100C>A, p.Arg34Ser (NM_001410827.1); short protein forms R34S.
Identifiers: ClinVar variation 2101290 (VCV002101290.4), dbSNP rs376449769, ClinGen allele CA411401456.

ClinVar aggregate classification (germline): Uncertain significance (1 of 4 stars; one submission).

gnomAD v4.1: 1 of 1,614,160 alleles (0.000062%); highest among the groups gnomAD compares: Non-Finnish European, 0.000085%; no homozygotes.

Submission:

Labcorp Genetics (formerly Invitae), Labcorp
Classification: Uncertain significance. Last evaluated: 2022-04-22. Review status: criteria provided, single submitter. Criteria: Invitae Variant Classification Sherloc (09022015). Collection method: clinical testing. Allele origin: germline.
Comment: In summary, the available evidence is currently insufficient to determine the role of this variant in disease. Therefore, it has been classified as a Variant of Uncertain Significance. Algorithms developed to predict the effect of missense changes on protein structure and function output the following: SIFT: "Tolerated"; PolyPhen-2: "Benign"; Align-GVGD: "Class C0". The serine amino acid residue is found in multiple mammalian species, which suggests that this missense change does not adversely affect protein function. This variant has not been reported in the literature in individuals affected with CSF2RB-related conditions. This variant is not present in population databases (gnomAD no frequency). This sequence change replaces arginine, which is basic and polar, with serine, which is neutral and polar, at codon 34 of the CSF2RB protein (p.Arg34Ser).